The following is an entry in ClinVar:

NM_053025.4(MYLK):c.1304G>A (p.Cys435Tyr)

Gene: MYLK (myosin light chain kinase; minus strand). Cytogenetic location: 3q21.1.
Variant type: single nucleotide variant.
Coding change: c.1304G>A on transcript NM_053025.4 (MANE Select); coding-DNA position 1304, G replaced by A.
Protein change: p.Cys435Tyr; replaces cysteine 435 with tyrosine.
Molecular consequence: missense variant.
Genome position (GRCh38, 1-based): chr3:123,733,692, C>T on the plus strand (G>A on the coding strand, the complement: MYLK is on the minus strand). VCF-style: chr3-123733692-C-T. GRCh37 (hg19) VCF-style: chr3-123452539-C-T.
Other names: c.776G>A, p.Cys259Tyr (NM_001321309.2); c.1304G>A, p.Cys435Tyr (NM_053026.4, NM_053027.4, NM_053028.4); short protein forms C259Y, C435Y.
Identifiers: ClinVar variation 1320869 (VCV001320869.4), dbSNP rs1180342445, ClinGen allele CA354238671.

ClinVar aggregate classification (germline): Uncertain significance. Review status: criteria provided, multiple submitters, no conflicts (2 of 4 stars). 3 submissions from 3 submitters: Uncertain significance (3). Last evaluated 2024-10-08.

Conditions:
Aortic aneurysm, familial thoracic 7 (AAT7). Also called: AORTIC DISSECTION, FAMILIAL, WITH OR WITHOUT AORTIC ANEURYSM. Identifiers: MedGen C3151077, MONDO:0013418, OMIM 613780.
Megacystis-microcolon-intestinal hypoperistalsis syndrome 1. Identifiers: MedGen C5542316, MONDO:0100354, OMIM 249210.
Familial thoracic aortic aneurysm and aortic dissection (TAAD). Also called: Thoracic aortic aneurysms and dissections. Identifiers: Orphanet 91387, MedGen C4707243, MONDO:0019625.

Allele frequency attached by ClinVar (database versions not stated): gnomAD exomes below 0.00001.

Submissions (3):

Ambry Genetics
Classification: Uncertain significance for Familial thoracic aortic aneurysm and aortic dissection. Last evaluated: 2024-10-08. Review status: criteria provided, single submitter. Criteria: Ambry Variant Classification Scheme 2023. Collection method: clinical testing. Allele origin: germline.
Comment: The p.C435Y variant (also known as c.1304G>A), located in coding exon 7 of the MYLK gene, results from a G to A substitution at nucleotide position 1304. The cysteine at codon 435 is replaced by tyrosine, an amino acid with highly dissimilar properties. This amino acid position is conserved. In addition, the in silico prediction for this alteration is inconclusive. Based on the available evidence, the clinical significance of this variant remains unclear.

Fulgent Genetics
Classification: Uncertain significance for Megacystis-microcolon-intestinal hypoperistalsis syndrome 1; Aortic aneurysm, familial thoracic 7. Last evaluated: 2021-08-25. Review status: criteria provided, single submitter. Criteria: ACMG Guidelines, 2015. Collection method: clinical testing. Allele origin: unknown.

GeneDx
Classification: Uncertain significance. Last evaluated: 2020-06-26. Review status: criteria provided, single submitter. Criteria: GeneDx Variant Classification Process June 2021. Collection method: clinical testing. Allele origin: germline. Affected: yes.
Comment: Has not been previously published as pathogenic or benign to our knowledge; Not observed at a significant frequency in large population cohorts (Lek et al., 2016); In silico analysis supports that this missense variant has a deleterious effect on protein structure/function